The following is an entry in ClinVar:

NM_000051.4(ATM):c.1998G>A (p.Val666=)

Gene: ATM (ATM serine/threonine kinase; plus strand). Cytogenetic location: 11q22.3.
Variant type: single nucleotide variant.
Coding change: c.1998G>A on transcript NM_000051.4 (MANE Select); coding-DNA position 1998, G replaced by A.
Protein change: p.Val666=; no amino-acid change (valine 666 retained).
Molecular consequence: synonymous variant.
Genome position (GRCh38, 1-based): chr11:108,253,913, G>A. VCF-style: chr11-108253913-G-A. GRCh37 (hg19) VCF-style: chr11-108124640-G-A.
Other names: c.1998G>A, p.Val666= (NM_001351834.2).
Identifiers: ClinVar variation 453399 (VCV000453399.18), dbSNP rs748380150, ClinGen allele CA6264914.
Genomic context (GRCh38, chr11:108,253,913, plus strand): 5'-AGAAGTAGAAGAACTATTTCTTCAGACAACTTTTGACAAGATGGACTTTTTAACCATTGT[G>A]AGAGAATGTGGTATAGAAAAGCACCAGTCCAGTATTGGCTTCTCTGTCCACCAGAATCTC-3'
Protein context (NP_000042.3, residues 656-676): TFDKMDFLTI[Val666=]RECGIEKHQS

ClinVar aggregate classification (germline): Benign/Likely benign. Review status: criteria provided, multiple submitters, no conflicts (2 of 4 stars). 4 submissions from 4 submitters: Benign (1); Likely benign (3). Last evaluated 2026-01-04.

Conditions:
Hereditary cancer-predisposing syndrome. Also called: Tumor predisposition; Hereditary Cancer Syndrome; Neoplastic Syndromes, Hereditary; Hereditary neoplastic syndrome. Identifiers: Orphanet 140162, MedGen C0027672, MeSH D009386, MONDO:0015356.
Familial cancer of breast. Also called: Hereditary breast cancer; hereditary breast carcinoma; BREAST CANCER, FAMILIAL. Identifiers: Orphanet 227535, MedGen C0346153, MONDO:0016419, OMIM 114480. Disease mechanism: loss of function.
Ataxia-telangiectasia syndrome (AT). Also called: Cerebello-oculocutaneous telangiectasia; Immunodeficiency with ataxia telangiectasia; Ataxia-telangiectasia, complementation group D; AT, COMPLEMENTATION GROUP C; Ataxia-telangiectasia, complementation group E; LOUIS-BAR SYNDROME. Identifiers: Orphanet 100, MedGen C0004135, MONDO:0008840, OMIM 208900.

Allele frequency attached by ClinVar (database versions not stated): gnomAD exomes below 0.00001 and 0.00002; TOPMed below 0.00001; ExAC 0.00001.
gnomAD v4.1: 23 of 1,614,078 alleles (0.0014%); highest among the groups gnomAD compares: Non-Finnish European, 0.0019%; no homozygotes.

Submissions (4):

Labcorp Genetics (formerly Invitae), Labcorp
Classification: Likely benign for Ataxia-telangiectasia syndrome. Last evaluated: 2026-01-04. Review status: criteria provided, single submitter. Criteria: Invitae Variant Classification Sherloc (09022015). Collection method: clinical testing. Allele origin: germline.

Myriad Genetics, Inc.
Classification: Benign for Familial cancer of breast. Last evaluated: 2024-05-02. Review status: criteria provided, single submitter. Criteria: Myriad Autosomal Dominant, Autosomal Recessive and X-Linked Classification Criteria (2023). Collection method: clinical testing. Allele origin: unknown.
Comment: This variant is considered benign. This variant is a silent/synonymous amino acid change and it is not expected to impact splicing.

Color Diagnostics, LLC DBA Color Health
Classification: Likely benign for Hereditary cancer-predisposing syndrome. Last evaluated: 2016-10-14. Review status: criteria provided, single submitter. Criteria: ACMG Guidelines, 2015. Collection method: clinical testing. Allele origin: germline.

Ambry Genetics
Classification: Likely benign for Hereditary cancer-predisposing syndrome. Last evaluated: 2015-07-08. Review status: criteria provided, single submitter. Criteria: Ambry Variant Classification Scheme 2023. Collection method: clinical testing. Allele origin: germline.